The following is an entry in ClinVar:

ClinVar aggregate classification (germline): Uncertain significance (1 of 4 stars; one submission).

Conditions:
Autosomal recessive severe congenital neutropenia due to CSF3R deficiency. Also called: Neutropenia, severe congenital, 7, autosomal recessive. Identifiers: Orphanet 420702, MedGen C4310764, MONDO:0014865, OMIM 617014.

gnomAD v4.1: 1 of 1,614,170 alleles (0.000062%); highest among the groups gnomAD compares: Non-Finnish European, 0.000085%; no homozygotes.

Submission:

Labcorp Genetics (formerly Invitae), Labcorp
Classification: Uncertain significance for Autosomal recessive severe congenital neutropenia due to CSF3R deficiency. Last evaluated: 2024-10-17. Review status: criteria provided, single submitter. Criteria: Invitae Variant Classification Sherloc (09022015). Collection method: clinical testing. Allele origin: germline.
Comment: This sequence change replaces glycine, which is neutral and non-polar, with serine, which is neutral and polar, at codon 458 of the CSF3R protein (p.Gly458Ser). This variant is not present in population databases (gnomAD no frequency). This variant has not been reported in the literature in individuals affected with CSF3R-related conditions. Invitae Evidence Modeling of protein sequence and biophysical properties (such as structural, functional, and spatial information, amino acid conservation, physicochemical variation, residue mobility, and thermodynamic stability) indicates that this missense variant is not expected to disrupt CSF3R protein function with a negative predictive value of 80%. In summary, the available evidence is currently insufficient to determine the role of this variant in disease. Therefore, it has been classified as a Variant of Uncertain Significance.

NM_000760.4(CSF3R):c.1372G>A (p.Gly458Ser)

Gene: CSF3R (colony stimulating factor 3 receptor; minus strand). Cytogenetic location: 1p34.3.
Variant type: single nucleotide variant.
Coding change: c.1372G>A on transcript NM_000760.4 (MANE Select); coding-DNA position 1372, G replaced by A.
Protein change: p.Gly458Ser; replaces glycine 458 with serine.
Molecular consequence: missense variant.
Genome position (GRCh38, 1-based): chr1:36,469,754, C>T on the plus strand (G>A on the coding strand, the complement: CSF3R is on the minus strand). VCF-style: chr1-36469754-C-T. GRCh37 (hg19) VCF-style: chr1-36935355-C-T.
Other names: c.1372G>A, p.Gly458Ser (NM_156039.3, NM_172313.3); short protein forms G458S.
Identifiers: ClinVar variation 3682954 (VCV003682954.2).